The following is an entry in ClinVar:

NM_017934.7(PHIP):c.2926G>A (p.Glu976Lys)

Genes: IRAK1BP1 (interleukin 1 receptor associated kinase 1 binding protein 1; plus strand), PHIP (PHIP subunit of CUL4-Ring ligase complex; minus strand). Cytogenetic location: 6q14.1.
Variant type: single nucleotide variant.
Coding change: c.2926G>A on transcript NM_017934.7 (MANE Select); coding-DNA position 2926, G replaced by A.
Protein change: p.Glu976Lys; replaces glutamic acid 976 with lysine.
Molecular consequence: missense variant.
Genome position (GRCh38, 1-based): chr6:78,970,852, C>T on the plus strand (G>A on the coding strand, the complement: PHIP is on the minus strand). VCF-style: chr6-78970852-C-T. GRCh37 (hg19) VCF-style: chr6-79680569-C-T.
Other names: c.2926G>A (NM_017934.6); short protein forms E976K.
Identifiers: ClinVar variation 3931638 (VCV003931638.2).
Genomic context (GRCh38, chr6:78,970,852, plus strand): 5'-TTTTATGCCATGGTTGTTTTTTGGGATTGATACTATATATTTTATTTTTCCGGGCCATTT[C>T]GACATAGGCTTCATGTCCTTGTCGGAAATAATAAACCTAAAAAATAAAGTCATAATCTTA-3'
Protein context (NP_060404.4, residues 966-986): YFRQGHEAYV[Glu976Lys]MARKNKIYSI

ClinVar aggregate classification (germline): Uncertain significance. Review status: criteria provided, multiple submitters, no conflicts (2 of 4 stars). 2 submissions from 2 submitters: Uncertain significance (2). Last evaluated 2026-03-18.

Conditions:
PHIP-related disorder. Also called: PHIP-related condition; PHIP-related disorders.
Inborn genetic diseases. Identifiers: MedGen C0950123, MeSH D030342.

gnomAD v4.1: 25 of 1,610,482 alleles (0.0016%); highest among the groups gnomAD compares: Non-Finnish European, 0.002%; no homozygotes.

Submissions (2):

PreventionGenetics, part of Exact Sciences
Classification: Uncertain significance for PHIP-related condition. Last evaluated: 2026-03-18. Review status: criteria provided, single submitter. Criteria: ACMG Guidelines, 2015. Collection method: clinical testing. Allele origin: germline.
Comment: The PHIP c.2926G>A variant is predicted to result in the amino acid substitution p.Glu976Lys. To our knowledge, this variant has not been reported in the literature. This variant is reported in 0.0023% of alleles in individuals of European (Non-Finnish) descent in gnomAD. At this time, the clinical significance of this variant is uncertain due to the absence of conclusive functional and genetic evidence.

Ambry Genetics
Classification: Uncertain significance for Inborn genetic diseases. Last evaluated: 2025-05-21. Review status: criteria provided, single submitter. Criteria: Ambry Variant Classification Scheme 2023. Collection method: clinical testing. Allele origin: germline.